The following is an entry in ClinVar:

NM_006059.4(LAMC3):c.3011C>T (p.Thr1004Met)

Gene: LAMC3 (laminin subunit gamma 3; plus strand). Cytogenetic location: 9q34.12.
Variant type: single nucleotide variant.
Coding change: c.3011C>T on transcript NM_006059.4 (MANE Select); coding-DNA position 3011, C replaced by T.
Protein change: p.Thr1004Met; replaces threonine 1004 with methionine.
Molecular consequence: missense variant.
Genome position (GRCh38, 1-based): chr9:131,069,792, C>T. VCF-style: chr9-131069792-C-T. GRCh37 (hg19) VCF-style: chr9-133945179-C-T.
Other names: c.3011C>T (NM_006059.3); short protein forms T1004M.
Identifiers: ClinVar variation 1524340 (VCV001524340.5), dbSNP rs367843721, ClinGen allele CA5287645.

ClinVar aggregate classification (germline): Uncertain significance. Review status: criteria provided, multiple submitters, no conflicts (2 of 4 stars). 3 submissions from 3 submitters: Uncertain significance (3). Last evaluated 2024-10-16.

Conditions:
Inborn genetic diseases. Identifiers: MedGen C0950123, MeSH D030342.

Allele frequency attached by ClinVar (database versions not stated): ESP Exome Variant Server 0.00008.
gnomAD v4.1: 37 of 1,593,696 alleles (0.0023%); highest among the groups gnomAD compares: East Asian, 0.011%; 1 homozygote.

Submissions (3):

Ambry Genetics
Classification: Uncertain significance for Inborn genetic diseases. Last evaluated: 2024-10-16. Review status: criteria provided, single submitter. Criteria: Ambry Variant Classification Scheme 2023. Collection method: clinical testing. Allele origin: germline.

GeneDx
Classification: Uncertain significance. Last evaluated: 2022-10-31. Review status: criteria provided, single submitter. Criteria: GeneDx Variant Classification Process June 2021. Collection method: clinical testing. Allele origin: germline. Affected: yes.
Comment: Not observed at significant frequency in large population cohorts (gnomAD); In silico analysis supports that this missense variant does not alter protein structure/function; Has not been previously published as pathogenic or benign to our knowledge

Labcorp Genetics (formerly Invitae), Labcorp
Classification: Uncertain significance. Last evaluated: 2022-04-13. Review status: criteria provided, single submitter. Criteria: Invitae Variant Classification Sherloc (09022015). Collection method: clinical testing. Allele origin: germline.
Comment: This sequence change replaces threonine, which is neutral and polar, with methionine, which is neutral and non-polar, at codon 1004 of the LAMC3 protein (p.Thr1004Met). This variant is present in population databases (rs367843721, gnomAD 0.008%). This variant has not been reported in the literature in individuals affected with LAMC3-related conditions. Algorithms developed to predict the effect of missense changes on protein structure and function are either unavailable or do not agree on the potential impact of this missense change (SIFT: "Tolerated"; PolyPhen-2: "Possibly Damaging"; Align-GVGD: "Class C0"). In summary, the available evidence is currently insufficient to determine the role of this variant in disease. Therefore, it has been classified as a Variant of Uncertain Significance.